The following is an entry in ClinVar:

NM_019594.4(LRRC8A):c.600C>G (p.Thr200=)

Gene: LRRC8A (leucine rich repeat containing 8 VRAC subunit A; plus strand). Cytogenetic location: 9q34.11.
Variant type: single nucleotide variant.
Coding change: c.600C>G on transcript NM_019594.4 (MANE Select); coding-DNA position 600, C replaced by G.
Protein change: p.Thr200=; no amino-acid change (threonine 200 retained).
Molecular consequence: synonymous variant.
Genome position (GRCh38, 1-based): chr9:128,907,764, C>G. VCF-style: chr9-128907764-C-G. GRCh37 (hg19) VCF-style: chr9-131670043-C-G.
Other names: c.600C>G, p.Thr200= (NM_001127244.2, NM_001127245.2).
Identifiers: ClinVar variation 4980610 (VCV004980610.1).

ClinVar aggregate classification (germline): Uncertain significance (1 of 4 stars; one submission).

Conditions:
LRRC8A-related disorder. Also called: LRRC8A-related condition.

gnomAD v4.1: 4 of 1,613,714 alleles (0.00025%); highest among the groups gnomAD compares: African/African-American, 0.004%; no homozygotes.

Submission:

PreventionGenetics, part of Exact Sciences
Classification: Uncertain significance for LRRC8A-related condition. Last evaluated: 2026-01-27. Review status: criteria provided, single submitter. Criteria: ACMG Guidelines, 2015. Collection method: clinical testing. Allele origin: germline.
Comment: The LRRC8A c.600C>G variant is not predicted to result in an amino acid change (p.=). This variant is not predicted to alter splicing based on available splicing prediction programs (SpliceAI, Jaganathan et al. 2019. PubMed ID: 30661751). However, the use of computer prediction programs is not equivalent to functional evidence. To our knowledge, this variant has not been reported in the literature or in a large population database (gnomAD), indicating this variant is rare. At this time, the clinical significance of this variant is uncertain due to the absence of conclusive functional and genetic evidence.